The following is an entry in ClinVar:

ClinVar aggregate classification (germline): Benign. Review status: criteria provided, multiple submitters, no conflicts (2 of 4 stars). 2 submissions from 2 submitters: Benign (2). Last evaluated 2016-01-14.

Allele frequency attached by ClinVar (database versions not stated): gnomAD exomes 0.10161; gnomAD 0.15681 and 0.15727; TOPMed 0.15810; 1000 Genomes Project 30x 0.19191; 1000 Genomes Project 0.19489.
gnomAD v4.1: 108,795 of 983,412 alleles (11%); highest among the groups gnomAD compares: African/African-American, 25%; 6,927 homozygotes.

Submissions (10):

GeneDx
Classification: Benign. Last evaluated: 2016-01-14. Review status: criteria provided, single submitter. Criteria: GeneDx Variant Classification (06012015). Collection method: clinical testing. Allele origin: germline. Affected: yes.
Comment: This variant is considered likely benign or benign based on one or more of the following criteria: it is a conservative change, it occurs at a poorly conserved position in the protein, it is predicted to be benign by multiple in silico algorithms, and/or has population frequency not consistent with disease.

Breakthrough Genomics
Classification: Benign. Review status: criteria provided, single submitter. Criteria: ACMG Guidelines, 2015. Collection method: not provided. Allele origin: germline. Inheritance: Autosomal recessive inheritance. Affected: yes.

Dr. Peter K. Rogan Lab, Western University
No classification provided (evidence only). Condition: Acute myeloid leukemia. Review status: no classification provided. Collection method: in vitro. Allele origin: not applicable. Functional consequence: retained intron. Not counted in ClinVar's aggregate classification.

Dr. Peter K. Rogan Lab, Western University
No classification provided (evidence only). Condition: Ovarian serous cystadenocarcinoma. Review status: no classification provided. Collection method: in vitro. Allele origin: not applicable. Functional consequence: retained intron. Not counted in ClinVar's aggregate classification.

Dr. Peter K. Rogan Lab, Western University
No classification provided (evidence only). Condition: Gastric cancer. Review status: no classification provided. Collection method: in vitro. Allele origin: not applicable. Functional consequence: retained intron. Not counted in ClinVar's aggregate classification.

Dr. Peter K. Rogan Lab, Western University
No classification provided (evidence only). Condition: Uterine carcinosarcoma. Review status: no classification provided. Collection method: in vitro. Allele origin: not applicable. Functional consequence: retained intron. Not counted in ClinVar's aggregate classification.

Dr. Peter K. Rogan Lab, Western University
No classification provided (evidence only). Condition: Uterine carcinosarcoma. Review status: no classification provided. Collection method: in vitro. Allele origin: not applicable. Functional consequence: retained intron. Not counted in ClinVar's aggregate classification.

Dr. Peter K. Rogan Lab, Western University
No classification provided (evidence only). Condition: Uterine carcinosarcoma. Review status: no classification provided. Collection method: in vitro. Allele origin: not applicable. Functional consequence: retained intron. Not counted in ClinVar's aggregate classification.

Dr. Peter K. Rogan Lab, Western University
No classification provided (evidence only). Condition: Uterine carcinosarcoma. Review status: no classification provided. Collection method: in vitro. Allele origin: not applicable. Functional consequence: retained intron. Not counted in ClinVar's aggregate classification.

Dr. Peter K. Rogan Lab, Western University
No classification provided (evidence only). Condition: Hepatocellular carcinoma. Review status: no classification provided. Collection method: in vitro. Allele origin: not applicable. Functional consequence: retained intron. Not counted in ClinVar's aggregate classification.

NM_020631.6(PLEKHG5):c.-88+1192G>A

Gene: PLEKHG5 (pleckstrin homology and RhoGEF domain containing G5; minus strand). Cytogenetic location: 1p36.31.
Variant type: single nucleotide variant.
Coding change: c.-88+1192G>A on transcript NM_020631.6 (MANE Select); 1192 bases into the intron after 88 bases upstream of the start codon, G replaced by A.
Molecular consequence: intron variant.
Genome position (GRCh38, 1-based): chr1:6,490,445, C>T on the plus strand (G>A on the coding strand, the complement: PLEKHG5 is on the minus strand). VCF-style: chr1-6490445-C-T. GRCh37 (hg19) VCF-style: chr1-6550505-C-T.
Other names: NC_000001.10:g.6550505C>T; c.-88G>A (NM_001042664.2, NM_001265594.3); c.-88+6048G>A (NM_198681.4); c.24+6048G>A (NM_001042663.3, NM_001265592.2).
Identifiers: ClinVar variation 380862 (VCV000380862.3), dbSNP rs11806429, ClinGen allele CA10762278.